The following is an entry in ClinVar:

NM_006231.4(POLE):c.5516G>A (p.Arg1839His)

Gene: POLE (DNA polymerase epsilon, catalytic subunit; minus strand). Cytogenetic location: 12q24.33.
Variant type: single nucleotide variant.
Coding change: c.5516G>A on transcript NM_006231.4 (MANE Select); coding-DNA position 5516, G replaced by A.
Protein change: p.Arg1839His; replaces arginine 1839 with histidine.
Molecular consequence: missense variant.
Genome position (GRCh38, 1-based): chr12:132,639,161, C>T on the plus strand (G>A on the coding strand, the complement: POLE is on the minus strand). VCF-style: chr12-132639161-C-T. GRCh37 (hg19) VCF-style: chr12-133215747-C-T.
Other names: c.5516G>A (NM_006231.2); short protein forms R1839H.
Identifiers: ClinVar variation 540704 (VCV000540704.14), dbSNP rs370512955, ClinGen allele CA6892504.

ClinVar aggregate classification (germline): Uncertain significance. Review status: criteria provided, multiple submitters, no conflicts (2 of 4 stars). 6 submissions from 6 submitters: Uncertain significance (5). 1 of the submissions does not count toward it. Last evaluated 2026-01-27.

Conditions:
Hereditary cancer-predisposing syndrome. Also called: Neoplastic Syndromes, Hereditary; Hereditary Cancer Syndrome; Hereditary neoplastic syndrome; Tumor predisposition. Identifiers: Orphanet 140162, MedGen C0027672, MeSH D009386, MONDO:0015356.
Facial dysmorphism-immunodeficiency-livedo-short stature syndrome. Also called: Facial dysmorphism, immunodeficiency, livedo, and short stature; FILS syndrome. Identifiers: Orphanet 352712, MedGen C3554576, MONDO:0014058, OMIM 615139.
Colorectal cancer, susceptibility to, 12 (CRCS12). Also called: COLORECTAL CANCER, SUSCEPTIBILITY TO, ON CHROMOSOME 12q24. Identifiers: Orphanet 220460, MedGen C3554460, MONDO:0014038, OMIM 615083.
Intrauterine growth retardation, metaphyseal dysplasia, adrenal hypoplasia congenita, genital anomalies, and immunodeficiency. Also called: IMAGEI SYNDROME. Identifiers: MedGen C5193036, MONDO:0032684, OMIM 618336.
POLE-related disorder. Also called: POLE-related disorders; POLE-related condition.

Allele frequency attached by ClinVar (database versions not stated): gnomAD exomes 0.00001; ExAC 0.00002; TOPMed 0.00005; gnomAD 0.00006 and 0.00007; ESP Exome Variant Server 0.00008.
gnomAD v4.1: 22 of 1,613,926 alleles (0.0014%); highest among the groups gnomAD compares: African/African-American, 0.012%; no homozygotes.

Submissions (6):

Labcorp Genetics (formerly Invitae), Labcorp
Classification: Uncertain significance. Last evaluated: 2026-01-27. Review status: criteria provided, single submitter. Criteria: Invitae Variant Classification Sherloc (09022015). Collection method: clinical testing. Allele origin: germline.
Comment: This sequence change replaces arginine, which is basic and polar, with histidine, which is basic and polar, at codon 1839 of the POLE protein (p.Arg1839His). This variant is present in population databases (rs370512955, gnomAD 0.008%). This variant has not been reported in the literature in individuals affected with POLE-related conditions. ClinVar contains an entry for this variant (Variation ID: 540704). Invitae Evidence Modeling of protein sequence and biophysical properties (such as structural, functional, and spatial information, amino acid conservation, physicochemical variation, residue mobility, and thermodynamic stability) indicates that this missense variant is not expected to disrupt POLE protein function with a negative predictive value of 80%. In summary, the available evidence is currently insufficient to determine the role of this variant in disease. Therefore, it has been classified as a Variant of Uncertain Significance.

Center for Genomic Medicine, Rigshospitalet, Copenhagen University Hospital
Classification: Uncertain significance. Last evaluated: 2025-12-29. Review status: criteria provided, single submitter. Criteria: ACMG Guidelines, 2015. Collection method: clinical testing. Allele origin: germline.

Ambry Genetics
Classification: Uncertain significance for Hereditary cancer-predisposing syndrome. Last evaluated: 2025-01-10. Review status: criteria provided, single submitter. Criteria: Ambry Variant Classification Scheme 2023. Collection method: clinical testing. Allele origin: germline.
Comment: The p.R1839H variant (also known as c.5516G>A), located in coding exon 40 of the POLE gene, results from a G to A substitution at nucleotide position 5516. The arginine at codon 1839 is replaced by histidine, an amino acid with highly similar properties. This amino acid position is highly conserved in available vertebrate species. In addition, this alteration is predicted to be deleterious by in silico analysis. Based on the available evidence, the clinical significance of this variant remains unclear.

Fulgent Genetics
Classification: Uncertain significance for Colorectal cancer, susceptibility to, 12; Facial dysmorphism-immunodeficiency-livedo-short stature syndrome; Intrauterine growth retardation, metaphyseal dysplasia, adrenal hypoplasia congenita, genital anomalies, and immunodeficiency. Last evaluated: 2024-06-21. Review status: criteria provided, single submitter. Criteria: ACMG Guidelines, 2015. Collection method: clinical testing. Allele origin: germline.

GeneDx
Classification: Uncertain significance. Last evaluated: 2023-12-18. Review status: criteria provided, single submitter. Criteria: GeneDx Variant Classification Process June 2021. Collection method: clinical testing. Allele origin: germline. Affected: yes.
Comment: Not observed at significant frequency in large population cohorts (gnomAD); In silico analysis supports that this missense variant has a deleterious effect on protein structure/function; Identified by whole-exome sequencing in individual(s) with severe specific language impairment (PMID: 28440294); This variant is associated with the following publications: (PMID: 28440294)

PreventionGenetics, part of Exact Sciences
Classification: Uncertain significance for POLE-related condition. Last evaluated: 2024-05-04. Review status: no assertion criteria provided. Collection method: clinical testing. Allele origin: germline. Not counted in ClinVar's aggregate classification.
Comment: The POLE c.5516G>A variant is predicted to result in the amino acid substitution p.Arg1839His. To our knowledge, this variant has not been reported in the literature. This variant is reported in 0.0080% of alleles in individuals of African descent in gnomAD. At this time, the clinical significance of this variant is uncertain due to the absence of conclusive functional and genetic evidence.